The following is an entry in ClinVar:

NM_020166.5(MCCC1):c.90-1G>A

Gene: MCCC1 (methylcrotonyl-CoA carboxylase subunit 1; minus strand). Cytogenetic location: 3q27.1.
Variant type: single nucleotide variant.
Coding change: c.90-1G>A on transcript NM_020166.5 (MANE Select); the canonical splice acceptor site of the intron before coding-DNA position 90, G replaced by A.
Molecular consequence: splice acceptor variant.
Genome position (GRCh38, 1-based): chr3:183,094,606, C>T on the plus strand (G>A on the coding strand, the complement: MCCC1 is on the minus strand). VCF-style: chr3-183094606-C-T. GRCh37 (hg19) VCF-style: chr3-182812394-C-T.
Other names: c.-101-1G>A (NM_001363880.1); c.-3-1G>A (NM_001293273.2).
Identifiers: ClinVar variation 2878431 (VCV002878431.3), dbSNP rs1718608300, ClinGen allele CA355322855.
Genomic context (GRCh38, chr3:183,094,606, plus strand): 5'-AGTCTGTCAGTACCTGTGGCTGTTGTGTACTTCATGGTTCTTTGCCTCCACACCCATGTC[C>T]TATAACATAAATCCAAAAGGAATTACAATTAAACAGAATAGGCAACACAATTGTTCTTTC-3'

ClinVar aggregate classification (germline): Likely pathogenic (1 of 4 stars; one submission).

Conditions:
3-methylcrotonyl-CoA carboxylase 1 deficiency (MCC1D). Also called: MCCD TYPE 1; METHYLCROTONYLGLYCINURIA TYPE I; MCC 1 deficiency; 3 Alpha methylcrotonylglycinuria 1. Identifiers: Orphanet 6, MedGen CN028786, MONDO:0008861, OMIM 210200.

Submission:

Labcorp Genetics (formerly Invitae), Labcorp
Classification: Likely pathogenic for 3-methylcrotonyl-CoA carboxylase 1 deficiency. Last evaluated: 2023-01-17. Review status: criteria provided, single submitter. Criteria: Invitae Variant Classification Sherloc (09022015). Collection method: clinical testing. Allele origin: germline.
Comment: In summary, the currently available evidence indicates that the variant is pathogenic, but additional data are needed to prove that conclusively. Therefore, this variant has been classified as Likely Pathogenic. This sequence change affects an acceptor splice site in intron 1 of the MCCC1 gene. It is expected to disrupt RNA splicing. Variants that disrupt the donor or acceptor splice site typically lead to a loss of protein function (PMID: 16199547), and loss-of-function variants in MCCC1 are known to be pathogenic (PMID: 11181649, 15359379, 22642865). This variant is not present in population databases (gnomAD no frequency). This variant has not been reported in the literature in individuals affected with MCCC1-related conditions. Algorithms developed to predict the effect of sequence changes on RNA splicing suggest that this variant may disrupt the consensus splice site.

Literature cited by the submitters: PubMed 16199547; PubMed 11181649; PubMed 15359379; PubMed 22642865.